The following is an entry in ClinVar:

NM_006361.6(HOXB13):c.362C>T (p.Pro121Leu)

Gene: HOXB13 (homeobox B13; minus strand). Cytogenetic location: 17q21.32.
Variant type: single nucleotide variant.
Coding change: c.362C>T on transcript NM_006361.6 (MANE Select); coding-DNA position 362, C replaced by T.
Protein change: p.Pro121Leu; replaces proline 121 with leucine.
Molecular consequence: missense variant.
Genome position (GRCh38, 1-based): chr17:48,728,232, G>A on the plus strand (C>T on the coding strand, the complement: HOXB13 is on the minus strand). VCF-style: chr17-48728232-G-A. GRCh37 (hg19) VCF-style: chr17-46805594-G-A.
Other names: short protein forms P121L.
Identifiers: ClinVar variation 2897289 (VCV002897289.4), dbSNP rs2509515216, ClinGen allele CA400107616.

ClinVar aggregate classification (germline): Uncertain significance. Review status: criteria provided, multiple submitters, no conflicts (2 of 4 stars). 2 submissions from 2 submitters: Uncertain significance (2). Last evaluated 2025-01-29.

Conditions:
Hereditary cancer-predisposing syndrome. Also called: Neoplastic Syndromes, Hereditary; Hereditary neoplastic syndrome; Tumor predisposition; Hereditary Cancer Syndrome. Identifiers: Orphanet 140162, MedGen C0027672, MeSH D009386, MONDO:0015356.

Submissions (2):

Labcorp Genetics (formerly Invitae), Labcorp
Classification: Uncertain significance. Last evaluated: 2025-01-29. Review status: criteria provided, single submitter. Criteria: Invitae Variant Classification Sherloc (09022015). Collection method: clinical testing. Allele origin: germline.
Comment: This sequence change replaces proline, which is neutral and non-polar, with leucine, which is neutral and non-polar, at codon 121 of the HOXB13 protein (p.Pro121Leu). This variant is not present in population databases (gnomAD no frequency). This variant has not been reported in the literature in individuals affected with HOXB13-related conditions. ClinVar contains an entry for this variant (Variation ID: 2897289). Invitae Evidence Modeling of protein sequence and biophysical properties (such as structural, functional, and spatial information, amino acid conservation, physicochemical variation, residue mobility, and thermodynamic stability) indicates that this missense variant is not expected to disrupt HOXB13 protein function with a negative predictive value of 80%. In summary, the available evidence is currently insufficient to determine the role of this variant in disease. Therefore, it has been classified as a Variant of Uncertain Significance.

Ambry Genetics
Classification: Uncertain significance for Hereditary cancer-predisposing syndrome. Last evaluated: 2024-04-24. Review status: criteria provided, single submitter. Criteria: Ambry Variant Classification Scheme 2023. Collection method: clinical testing. Allele origin: germline.
Comment: The p.P121L variant (also known as c.362C>T), located in coding exon 1 of the HOXB13 gene, results from a C to T substitution at nucleotide position 362. The proline at codon 121 is replaced by leucine, an amino acid with similar properties. This amino acid position is conserved. In addition, this alteration is predicted to be tolerated by in silico analysis. Based on the available evidence, the clinical significance of this variant remains unclear.